The following is an entry in ClinVar:

NM_024675.4(PALB2):c.1953A>G (p.Gly651=)

Gene: PALB2 (partner and localizer of BRCA2; minus strand). Cytogenetic location: 16p12.2.
Variant type: single nucleotide variant.
Coding change: c.1953A>G on transcript NM_024675.4 (MANE Select); coding-DNA position 1953, A replaced by G.
Protein change: p.Gly651=; no amino-acid change (glycine 651 retained).
Molecular consequence: synonymous variant.
Genome position (GRCh38, 1-based): chr16:23,630,201, T>C on the plus strand (A>G on the coding strand, the complement: PALB2 is on the minus strand). VCF-style: chr16-23630201-T-C. GRCh37 (hg19) VCF-style: chr16-23641522-T-C.
Identifiers: ClinVar variation 482021 (VCV000482021.9), dbSNP rs1555460575, ClinGen allele CA494461104.

ClinVar aggregate classification (germline): Benign/Likely benign. Review status: criteria provided, multiple submitters, no conflicts (2 of 4 stars). 3 submissions from 3 submitters: Benign (1); Likely benign (2). Last evaluated 2025-01-15.

Conditions:
Familial cancer of breast. Also called: BREAST CANCER, FAMILIAL; Hereditary breast cancer; hereditary breast carcinoma. Identifiers: Orphanet 227535, MedGen C0346153, MONDO:0016419, OMIM 114480. Disease mechanism: loss of function.
Hereditary cancer-predisposing syndrome. Also called: Neoplastic Syndromes, Hereditary; Tumor predisposition; Hereditary Cancer Syndrome; Hereditary neoplastic syndrome. Identifiers: Orphanet 140162, MedGen C0027672, MeSH D009386, MONDO:0015356.

Allele frequency attached by ClinVar (database versions not stated): gnomAD exomes below 0.00001.
gnomAD v4.1: 2 of 1,614,138 alleles (0.00012%); highest among the groups gnomAD compares: Non-Finnish European, 0.00017%; no homozygotes.

Submissions (3):

Myriad Genetics, Inc.
Classification: Benign for Familial cancer of breast. Last evaluated: 2025-01-15. Review status: criteria provided, single submitter. Criteria: Myriad Autosomal Dominant, Autosomal Recessive and X-Linked Classification Criteria (2023). Collection method: clinical testing. Allele origin: unknown.
Comment: This variant is considered benign. This variant is a silent/synonymous amino acid change and it is not expected to impact splicing.

Labcorp Genetics (formerly Invitae), Labcorp
Classification: Likely benign for Familial cancer of breast. Last evaluated: 2023-07-31. Review status: criteria provided, single submitter. Criteria: Invitae Variant Classification Sherloc (09022015). Collection method: clinical testing. Allele origin: germline.

Ambry Genetics
Classification: Likely benign for Hereditary cancer-predisposing syndrome. Last evaluated: 2016-04-12. Review status: criteria provided, single submitter. Criteria: Ambry Variant Classification Scheme 2023. Collection method: clinical testing. Allele origin: germline.